The following is an entry in ClinVar:

NM_001374828.1(ARID1B):c.3737G>A (p.Arg1246His)

Gene: ARID1B (AT-rich interaction domain 1B; plus strand). Cytogenetic location: 6q25.3.
Variant type: single nucleotide variant.
Coding change: c.3737G>A on transcript NM_001374828.1 (MANE Select); coding-DNA position 3737, G replaced by A.
Protein change: p.Arg1246His; replaces arginine 1246 with histidine.
Molecular consequence: missense variant.
Genome position (GRCh38, 1-based): chr6:157,184,253, G>A. VCF-style: chr6-157184253-G-A. GRCh37 (hg19) VCF-style: chr6-157505387-G-A.
Other names: c.3488G>A, p.Arg1163His (NM_001346813.1); c.1238G>A, p.Arg413His (NM_001363725.2); c.3617G>A, p.Arg1206His (NM_001371656.1, NM_001374820.1); c.3578G>A, p.Arg1193His (NM_017519.3); c.3368G>A, p.Arg1123His (NM_020732.3); c.3155G>A, p.Arg1052His (NM_175863.2); short protein forms R1163H, R1246H, R1123H, R1193H, R1206H, R1052H, R413H.
Identifiers: ClinVar variation 2996901 (VCV002996901.5), dbSNP rs1240545481, ClinGen allele CA366230014.

ClinVar aggregate classification (germline): Uncertain significance. Review status: criteria provided, multiple submitters, no conflicts (2 of 4 stars). 3 submissions from 3 submitters: Uncertain significance (3). Last evaluated 2026-02-26.

Allele frequency attached by ClinVar (database versions not stated): gnomAD 0.00001.
gnomAD v4.1: 5 of 1,610,638 alleles (0.00031%); highest among the groups gnomAD compares: African/African-American, 0.0013%; no homozygotes.

Submissions (3):

Women's Health and Genetics/Laboratory Corporation of America, LabCorp
Classification: Uncertain significance. Last evaluated: 2026-02-26. Review status: criteria provided, single submitter. Criteria: LabCorp Variant Classification Summary - May 2015. Collection method: clinical testing. Allele origin: germline.
Comment: Variant summary: ARID1B c.3737G>A (p.Arg1246His) results in a non-conservative amino acid change in the encoded protein sequence. Algorithms developed to predict the effect of missense changes on protein structure and function are either unavailable or do not agree on the potential impact of this missense change. The variant was absent in 250490 control chromosomes. The available data on variant occurrences in the general population are insufficient to allow any conclusion about variant significance. To our knowledge, no occurrence of c.3737G>A in individuals affected with ARID1B-related conditions and no experimental evidence demonstrating its impact on protein function have been reported. ClinVar contains an entry for this variant (Variation ID: 2996901). Based on the evidence outlined above, the variant was classified as uncertain significance.

GeneDx
Classification: Uncertain significance. Last evaluated: 2023-05-19. Review status: criteria provided, single submitter. Criteria: GeneDx Variant Classification Process June 2021. Collection method: clinical testing. Allele origin: germline. Affected: yes.
Comment: In silico analysis supports that this missense variant has a deleterious effect on protein structure/function; Has not been previously published as pathogenic or benign to our knowledge

Labcorp Genetics (formerly Invitae), Labcorp
Classification: Uncertain significance. Last evaluated: 2022-11-24. Review status: criteria provided, single submitter. Criteria: Invitae Variant Classification Sherloc (09022015). Collection method: clinical testing. Allele origin: germline.
Comment: This sequence change replaces arginine, which is basic and polar, with histidine, which is basic and polar, at codon 1123 of the ARID1B protein (p.Arg1123His). The frequency data for this variant in the population databases is considered unreliable, as metrics indicate poor data quality at this position in the gnomAD database. This variant has not been reported in the literature in individuals affected with ARID1B-related conditions. Algorithms developed to predict the effect of missense changes on protein structure and function (SIFT, PolyPhen-2, Align-GVGD) all suggest that this variant is likely to be disruptive. In summary, the available evidence is currently insufficient to determine the role of this variant in disease. Therefore, it has been classified as a Variant of Uncertain Significance.